The following is an entry in ClinVar:

ClinVar aggregate classification (germline): Conflicting classifications of pathogenicity. Review status: criteria provided, conflicting classifications (1 of 4 stars). 4 submissions from 4 submitters: Uncertain significance (1); Likely benign (3). Last evaluated 2026-01-24.

Conditions:
Inborn genetic diseases. Identifiers: MedGen C0950123, MeSH D030342.
Norman-Roberts syndrome (LIS2). Also called: Lissencephaly 2 (Norman-Roberts type). Identifiers: Orphanet 89844, MedGen C0796089, MONDO:0009760, OMIM 257320.
Familial temporal lobe epilepsy 7. Identifiers: Orphanet 101046, MedGen C4225327, MONDO:0014639, OMIM 616436.

Allele frequency attached by ClinVar (database versions not stated): gnomAD 0.00009 and 0.00015; TOPMed 0.00016; gnomAD exomes 0.00021 and 0.00030; ESP Exome Variant Server 0.00023; ExAC 0.00033; 1000 Genomes Project 30x 0.00094; 1000 Genomes Project 0.00120.
gnomAD v4.1: 333 of 1,614,136 alleles (0.021%); highest among the groups gnomAD compares: East Asian, 0.65%; 1 homozygote.

Submissions (4):

Labcorp Genetics (formerly Invitae), Labcorp
Classification: Likely benign for Familial temporal lobe epilepsy 7; Norman-Roberts syndrome. Last evaluated: 2026-01-24. Review status: criteria provided, single submitter. Criteria: Invitae Variant Classification Sherloc (09022015). Collection method: clinical testing. Allele origin: germline.

Ambry Genetics
Classification: Likely benign for Inborn genetic diseases. Last evaluated: 2024-12-10. Review status: criteria provided, single submitter. Criteria: Ambry Variant Classification Scheme 2023. Collection method: clinical testing. Allele origin: germline.

Athena Diagnostics
Classification: Uncertain significance. Last evaluated: 2018-01-23. Review status: criteria provided, single submitter. Criteria: Athena Diagnostics Criteria. Collection method: clinical testing. Allele origin: germline.

Illumina Laboratory Services, Illumina
Classification: Likely benign for Norman-Roberts syndrome. Last evaluated: 2018-01-13. Review status: criteria provided, single submitter. Criteria: ICSL Variant Classification Criteria 13 December 2019. Collection method: clinical testing. Allele origin: germline.
Comment: This variant was observed in the ICSL laboratory as part of a predisposition screen in an ostensibly healthy population. It had not been previously curated by ICSL or reported in the Human Gene Mutation Database (HGMD: prior to June 1st, 2018), and was therefore a candidate for classification through an automated scoring system. Utilizing variant allele frequency, disease prevalence and penetrance estimates, and inheritance mode, an automated score was calculated to assess if this variant is too frequent to cause the disease. Based on the score and internal cut-off values, a variant classified as likely benign is not then subjected to further curation. The score for this variant resulted in a classification of likely benign for this disease.

NM_005045.4(RELN):c.4720G>A (p.Ala1574Thr)

Gene: RELN (reelin; minus strand). Cytogenetic location: 7q22.1.
Variant type: single nucleotide variant.
Coding change: c.4720G>A on transcript NM_005045.4 (MANE Select); coding-DNA position 4720, G replaced by A.
Protein change: p.Ala1574Thr; replaces alanine 1574 with threonine.
Molecular consequence: missense variant.
Genome position (GRCh38, 1-based): chr7:103,566,628, C>T on the plus strand (G>A on the coding strand, the complement: RELN is on the minus strand). VCF-style: chr7-103566628-C-T. GRCh37 (hg19) VCF-style: chr7-103207075-C-T.
Other names: c.4720G>A, p.Ala1574Thr (NM_173054.3); short protein forms A1574T.
Identifiers: ClinVar variation 475965 (VCV000475965.17), dbSNP rs78480723, ClinGen allele CA4421430.